The following is an entry in ClinVar:

ClinVar aggregate classification (germline): Benign/Likely benign. Review status: criteria provided, multiple submitters, no conflicts (2 of 4 stars). 5 submissions from 5 submitters: Benign (3); Likely benign (1). 1 of the submissions does not count toward it. Last evaluated 2026-10-01.

Conditions:
YAP1-related disorder. Also called: YAP1-related condition.

Allele frequency attached by ClinVar (database versions not stated): gnomAD 0.00579 and 0.00560; TOPMed 0.00602; ESP Exome Variant Server 0.00723; 1000 Genomes Project 30x 0.00297; 1000 Genomes Project 0.00300; ExAC 0.00491.
gnomAD v4.1: 13,175 of 1,614,076 alleles (0.82%); highest among the groups gnomAD compares: Non-Finnish European, 1%; 60 homozygotes.

Submissions (5):

CeGaT Center for Human Genetics Tuebingen
Classification: Likely benign. Last evaluated: 2026-10-01. Review status: criteria provided, single submitter. Criteria: CeGaT Center For Human Genetics Tuebingen Variant Classification Criteria Version 2. Collection method: clinical testing. Allele origin: germline. Affected: yes. Observed: 5 variant alleles.
Comment: YAP1: BP4, BP7, BS2

Labcorp Genetics (formerly Invitae), Labcorp
Classification: Benign. Last evaluated: 2026-01-15. Review status: criteria provided, single submitter. Criteria: Invitae Variant Classification Sherloc (09022015). Collection method: clinical testing. Allele origin: germline.

Blueprint Genetics
Classification: Benign. Last evaluated: 2024-11-25. Review status: criteria provided, single submitter. Criteria: ACMG Guidelines, 2015. Collection method: clinical testing. Allele origin: germline.

Breakthrough Genomics
Classification: Benign. Review status: criteria provided, single submitter. Criteria: ACMG Guidelines, 2015. Collection method: not provided. Allele origin: germline. Inheritance: Autosomal dominant inheritance. Affected: yes.

PreventionGenetics, part of Exact Sciences
Classification: Likely benign for YAP1-related condition. Last evaluated: 2019-05-30. Review status: no assertion criteria provided. Collection method: clinical testing. Allele origin: germline. Not counted in ClinVar's aggregate classification.
Comment: This variant is classified as likely benign based on ACMG/AMP sequence variant interpretation guidelines (Richards et al. 2015 PMID: 25741868, with internal and published modifications).

NM_001130145.3(YAP1):c.1104C>T (p.Pro368=)

Gene: YAP1 (Yes1 associated transcriptional regulator; plus strand). Cytogenetic location: 11q22.1.
Variant type: single nucleotide variant.
Coding change: c.1104C>T on transcript NM_001130145.3 (MANE Select); coding-DNA position 1104, C replaced by T.
Protein change: p.Pro368=; no amino-acid change (proline 368 retained).
Molecular consequence: synonymous variant.
Genome position (GRCh38, 1-based): chr11:102,223,693, C>T. VCF-style: chr11-102223693-C-T. GRCh37 (hg19) VCF-style: chr11-102094424-C-T.
Other names: c.1056C>T, p.Pro352= (NM_001195044.2); c.570C>T, p.Pro190= (NM_001195045.2); c.990C>T, p.Pro330= (NM_001282097.2); c.954C>T, p.Pro318= (NM_001282098.2); c.1002C>T, p.Pro334= (NM_001282099.2); c.1068C>T, p.Pro356= (NM_001282100.2); c.1116C>T, p.Pro372= (NM_001282101.2); c.942C>T, p.Pro314= (NM_006106.5).
Identifiers: ClinVar variation 789314 (VCV000789314.35), dbSNP rs61749258, ClinGen allele CA6246448.